The following is an entry in ClinVar:

ClinVar aggregate classification (germline): Likely benign. Review status: criteria provided, single submitter (1 of 4 stars). 2 submissions from 1 submitter: Likely benign (2). Last evaluated 2018-01-12.

Conditions:
ALS2-related disorder. Also called: ALS2-related condition; ALS2-related disorders; ALS2-Related Spectrum Disorders. Identifiers: MedGen CN169291.
Amyotrophic lateral sclerosis type 2, juvenile. Also called: ALS, JUVENILE; Amyotrophic lateral sclerosis type 2. Identifiers: Orphanet 300605, MedGen C1859807, MONDO:0008780, OMIM 205100.

Allele frequency attached by ClinVar (database versions not stated): 1000 Genomes Project 0.00459; 1000 Genomes Project 30x 0.00500; gnomAD 0.00886 and 0.00903; TOPMed 0.00938.

Submissions (2):

Illumina Laboratory Services, Illumina
Classification: Likely benign for ALS2-Related Disorders. Last evaluated: 2018-01-12. Review status: criteria provided, single submitter. Criteria: ICSL Variant Classification Criteria 13 December 2019. Collection method: clinical testing. Allele origin: germline.
Comment: This variant was observed in the ICSL laboratory as part of a predisposition screen in an ostensibly healthy population. It had not been previously curated by ICSL or reported in the Human Gene Mutation Database (HGMD: prior to June 1st, 2018), and was therefore a candidate for classification through an automated scoring system. Utilizing variant allele frequency, disease prevalence and penetrance estimates, and inheritance mode, an automated score was calculated to assess if this variant is too frequent to cause the disease. Based on the score and internal cut-off values, a variant classified as likely benign is not then subjected to further curation. The score for this variant resulted in a classification of likely benign for this disease.

Illumina Laboratory Services, Illumina
Classification: Likely benign for Amyotrophic lateral sclerosis type 2. Last evaluated: 2018-01-12. Review status: criteria provided, single submitter. Criteria: ICSL Variant Classification Criteria 13 December 2019. Collection method: clinical testing. Allele origin: germline.
Comment: the same text as in the submission from Illumina Laboratory Services, Illumina above.

NM_020919.4(ALS2):c.*942A>G

Gene: ALS2 (alsin Rho guanine nucleotide exchange factor ALS2; minus strand). Cytogenetic location: 2q33.1.
Variant type: single nucleotide variant.
Coding change: c.*942A>G on transcript NM_020919.4 (MANE Select); 942 bases downstream of the stop codon, A replaced by G.
Molecular consequence: 3 prime UTR variant.
Genome position (GRCh38, 1-based): chr2:201,700,909, T>C on the plus strand (A>G on the coding strand, the complement: ALS2 is on the minus strand). VCF-style: chr2-201700909-T-C. GRCh37 (hg19) VCF-style: chr2-202565632-T-C.
Identifiers: ClinVar variation 333575 (VCV000333575.5), dbSNP rs41309066, ClinGen allele CA10613544.